The following is an entry in ClinVar:

ClinVar aggregate classification (germline): Benign (1 of 4 stars; one submission).

Conditions:
BAP1-related tumor predisposition syndrome (TPDS1). Also called: BAP1 tumor predisposition syndrome; Tumor susceptibility linked to germline BAP1 mutations; COMMON Syndrome; TUMOR PREDISPOSITION SYNDROME 1. Identifiers: Orphanet 289539, MedGen C3280492, MONDO:0013692, OMIM 614327.

Submission:

Myriad Genetics, Inc.
Classification: Benign for BAP1-related tumor predisposition syndrome. Last evaluated: 2024-07-15. Review status: criteria provided, single submitter. Criteria: Myriad Autosomal Dominant, Autosomal Recessive and X-Linked Classification Criteria (2023). Collection method: clinical testing. Allele origin: unknown.
Comment: This variant is considered benign. This variant is a silent/synonymous amino acid change and it is not expected to impact splicing.

NM_004656.4(BAP1):c.897C>T (p.Asn299=)

Gene: BAP1 (BRCA1 associated deubiquitinase 1; minus strand). Cytogenetic location: 3p21.1.
Variant type: single nucleotide variant.
Coding change: c.897C>T on transcript NM_004656.4 (MANE Select); coding-DNA position 897, C replaced by T.
Protein change: p.Asn299=; no amino-acid change (asparagine 299 retained).
Molecular consequence: synonymous variant.
Genome position (GRCh38, 1-based): chr3:52,405,799, G>A on the plus strand (C>T on the coding strand, the complement: BAP1 is on the minus strand). VCF-style: chr3-52405799-G-A. GRCh37 (hg19) VCF-style: chr3-52439815-G-A.
Other names: c.843C>T, p.Asn281= (NM_001410772.1).
Identifiers: ClinVar variation 3379061 (VCV003379061.1).